The following is an entry in ClinVar:

NM_000051.4(ATM):c.9083T>C (p.Val3028Ala)

Genes: ATM (ATM serine/threonine kinase; plus strand), C11orf65 (chromosome 11 open reading frame 65; minus strand). Cytogenetic location: 11q22.3.
Variant type: single nucleotide variant.
Coding change: c.9083T>C on transcript NM_000051.4 (MANE Select); coding-DNA position 9083, T replaced by C.
Protein change: p.Val3028Ala; replaces valine 3028 with alanine.
Molecular consequence: missense variant. On other transcripts: intron variant (2).
Genome position (GRCh38, 1-based): chr11:108,365,420, T>C. VCF-style: chr11-108365420-T-C. GRCh37 (hg19) VCF-style: chr11-108236147-T-C.
Other names: c.9083T>C, p.Val3028Ala (NM_001351834.2); c.640+20500A>G (NM_001330368.2); c.694+20500A>G (NM_001351110.2); short protein forms V3028A.
Identifiers: ClinVar variation 1375789 (VCV001375789.8), dbSNP rs2137918557, ClinGen allele CA382531795.

ClinVar aggregate classification (germline): Uncertain significance. Review status: criteria provided, multiple submitters, no conflicts (2 of 4 stars). 2 submissions from 2 submitters: Uncertain significance (2). Last evaluated 2024-02-01.

Conditions:
Hereditary cancer-predisposing syndrome. Also called: Tumor predisposition; Neoplastic Syndromes, Hereditary; Hereditary Cancer Syndrome; Hereditary neoplastic syndrome. Identifiers: Orphanet 140162, MedGen C0027672, MeSH D009386, MONDO:0015356.
Ataxia-telangiectasia syndrome (AT). Also called: Ataxia-telangiectasia; LOUIS-BAR SYNDROME; Ataxia-telangiectasia, complementation group D; AT, COMPLEMENTATION GROUP C; ATAXIA-TELANGIECTASIA, COMPLEMENTATION GROUP A; ATAXIA-TELANGIECTASIA, FRESNO VARIANT. Identifiers: Orphanet 100, MedGen C0004135, MONDO:0008840, OMIM 208900.

Submissions (2):

Ambry Genetics
Classification: Uncertain significance for Hereditary cancer-predisposing syndrome. Last evaluated: 2024-02-01. Review status: criteria provided, single submitter. Criteria: Ambry Variant Classification Scheme 2023. Collection method: clinical testing. Allele origin: germline.
Comment: The p.V3028A variant (also known as c.9083T>C), located in coding exon 62 of the ATM gene, results from a T to C substitution at nucleotide position 9083. The valine at codon 3028 is replaced by alanine, an amino acid with similar properties. This amino acid position is conserved. In addition, this alteration is predicted to be deleterious by in silico analysis. Based on the available evidence, the clinical significance of this alteration remains unclear.

Labcorp Genetics (formerly Invitae), Labcorp
Classification: Uncertain significance for Ataxia-telangiectasia syndrome. Last evaluated: 2021-08-17. Review status: criteria provided, single submitter. Criteria: Invitae Variant Classification Sherloc (09022015). Collection method: clinical testing. Allele origin: germline.
Comment: This sequence change replaces valine with alanine at codon 3028 of the ATM protein (p.Val3028Ala). The valine residue is highly conserved and there is a small physicochemical difference between valine and alanine. This variant is not present in population databases (ExAC no frequency). This variant has not been reported in the literature in individuals affected with ATM-related conditions. Advanced modeling of protein sequence and biophysical properties (such as structural, functional, and spatial information, amino acid conservation, physicochemical variation, residue mobility, and thermodynamic stability) performed at Invitae indicates that this missense variant is expected to disrupt ATM protein function. In summary, the available evidence is currently insufficient to determine the role of this variant in disease. Therefore, it has been classified as a Variant of Uncertain Significance.